The following is an entry in ClinVar:

NM_001330078.2(NRXN1):c.2814A>G (p.Leu938=)

Gene: NRXN1 (neurexin 1; minus strand). Cytogenetic location: 2p16.3.
Variant type: single nucleotide variant.
Coding change: c.2814A>G on transcript NM_001330078.2 (MANE Select); coding-DNA position 2814, A replaced by G.
Protein change: p.Leu938=; no amino-acid change (leucine 938 retained).
Molecular consequence: synonymous variant.
Genome position (GRCh38, 1-based): chr2:50,497,398, T>C on the plus strand (A>G on the coding strand, the complement: NRXN1 is on the minus strand). VCF-style: chr2-50497398-T-C. GRCh37 (hg19) VCF-style: chr2-50724536-T-C.
Other names: c.2934A>G, p.Leu978= (NM_001135659.3); c.2790A>G, p.Leu930= (NM_001330077.2, NM_001330082.2); c.2748A>G, p.Leu916= (NM_001330083.2, NM_001330084.2); c.2787A>G, p.Leu929= (NM_001330085.2); c.2814A>G, p.Leu938= (NM_001330086.2, NM_004801.6); c.2703A>G, p.Leu901= (NM_001330087.2, NM_001330096.2); c.2733A>G, p.Leu911= (NM_001330088.2); c.2811A>G, p.Leu937= (NM_001330093.2); and 2 more.
Identifiers: ClinVar variation 589693 (VCV000589693.18), dbSNP rs902243141, ClinGen allele CA47360596.

ClinVar aggregate classification (germline): Likely benign. Review status: criteria provided, multiple submitters, no conflicts (2 of 4 stars). 4 submissions from 4 submitters: Likely benign (4). Last evaluated 2026-07-01.

Conditions:
Pitt-Hopkins-like syndrome 2 (PTHSL2). Identifiers: Orphanet 221150, Orphanet 600663, MedGen C3280479, MONDO:0013690, OMIM 614325.
Inborn genetic diseases. Identifiers: MedGen C0950123, MeSH D030342.

Allele frequency attached by ClinVar (database versions not stated): gnomAD exomes below 0.00001; TOPMed below 0.00001.
gnomAD v4.1: 2 of 1,599,196 alleles (0.00013%); highest among the groups gnomAD compares: Admixed American, 0.0034%; no homozygotes.

Submissions (4):

CeGaT Center for Human Genetics Tuebingen
Classification: Likely benign. Last evaluated: 2026-07-01. Review status: criteria provided, single submitter. Criteria: CeGaT Center For Human Genetics Tuebingen Variant Classification Criteria Version 2. Collection method: clinical testing. Allele origin: germline. Affected: yes. Observed: 1 variant allele.
Comment: NRXN1: BP4, BP7

Labcorp Genetics (formerly Invitae), Labcorp
Classification: Likely benign for Pitt-Hopkins-like syndrome 2. Last evaluated: 2026-01-12. Review status: criteria provided, single submitter. Criteria: Invitae Variant Classification Sherloc (09022015). Collection method: clinical testing. Allele origin: germline.

GeneDx
Classification: Likely benign. Last evaluated: 2020-05-04. Review status: criteria provided, single submitter. Criteria: GeneDx Variant Classification Process June 2021. Collection method: clinical testing. Allele origin: germline. Affected: yes.

Ambry Genetics
Classification: Likely benign for Inborn genetic diseases. Last evaluated: 2016-08-10. Review status: criteria provided, single submitter. Criteria: Ambry Variant Classification Scheme 2023. Collection method: clinical testing. Allele origin: germline.